The following is an entry in ClinVar:

NM_006312.6(NCOR2):c.4311C>T (p.Pro1437=)

Gene: NCOR2 (nuclear receptor corepressor 2; minus strand). Cytogenetic location: 12q24.31.
Variant type: single nucleotide variant.
Coding change: c.4311C>T on transcript NM_006312.6 (MANE Select); coding-DNA position 4311, C replaced by T.
Protein change: p.Pro1437=; no amino-acid change (proline 1437 retained).
Molecular consequence: synonymous variant.
Genome position (GRCh38, 1-based): chr12:124,346,612, G>A on the plus strand (C>T on the coding strand, the complement: NCOR2 is on the minus strand). VCF-style: chr12-124346612-G-A. GRCh37 (hg19) VCF-style: chr12-124831158-G-A.
Other names: c.4281C>T, p.Pro1427= (NM_001077261.4, NM_001206654.2).
Identifiers: ClinVar variation 2643555 (VCV002643555.24), dbSNP rs745518557, ClinGen allele CA6868311.

ClinVar aggregate classification (germline): Likely benign (1 of 4 stars; one submission).

Allele frequency attached by ClinVar (database versions not stated): gnomAD exomes 0.00002; ExAC 0.00004; TOPMed 0.00005.
gnomAD v4.1: 32 of 1,590,458 alleles (0.002%); highest among the groups gnomAD compares: East Asian, 0.0068%; no homozygotes.

Submission:

CeGaT Center for Human Genetics Tuebingen
Classification: Likely benign. Last evaluated: 2022-10-01. Review status: criteria provided, single submitter. Criteria: CeGaT Center For Human Genetics Tuebingen Variant Classification Criteria Version 2. Collection method: clinical testing. Allele origin: germline. Affected: yes. Observed: 1 variant allele.
Comment: NCOR2: BP4, BP7